The following is an entry in ClinVar:

NM_002528.7(NTHL1):c.216del (p.Glu72fs)

Gene: NTHL1 (nth like DNA glycosylase 1; minus strand). Cytogenetic location: 16p13.3.
Variant type: Deletion.
Coding change: c.216del on transcript NM_002528.7 (MANE Select); coding-DNA position 216, one base deleted (G; older notation c.216delG).
Protein change: p.Glu72fs; shifts the reading frame from glutamic acid 72.
Molecular consequence: frameshift variant. On other transcripts: intron variant (1).
Genome position (GRCh38, 1-based): chr16:2,046,266, C deleted on the plus strand (G on the coding strand, the reverse complement: NTHL1 is on the minus strand). VCF-style (leftmost placement, unchanged base first): chr16-2046265-GC-G. GRCh37 (hg19) VCF-style: chr16-2096266-GC-G.
Other names: c.216del, p.Glu72fs (NM_001318193.2); c.24+14del (NM_001318194.2); short protein forms E72fs.
Identifiers: ClinVar variation 2747010 (VCV002747010.3), dbSNP rs2548320617, ClinGen allele CA2697549530.

ClinVar aggregate classification (germline): Pathogenic (1 of 4 stars; one submission).

Submission:

Labcorp Genetics (formerly Invitae), Labcorp
Classification: Pathogenic. Last evaluated: 2023-07-26. Review status: criteria provided, single submitter. Criteria: Invitae Variant Classification Sherloc (09022015). Collection method: clinical testing. Allele origin: germline.
Comment: For these reasons, this variant has been classified as Pathogenic. Algorithms developed to predict the effect of sequence changes on RNA splicing suggest that this variant may create or strengthen a splice site. This variant has not been reported in the literature in individuals affected with NTHL1-related conditions. This variant is not present in population databases (gnomAD no frequency). This sequence change creates a premature translational stop signal (p.Glu80Aspfs*23) in the NTHL1 gene. It is expected to result in an absent or disrupted protein product. Loss-of-function variants in NTHL1 are known to be pathogenic (PMID: 25938944, 26559593).

Literature cited by the submitters: PubMed 25938944; PubMed 26559593.